The following is an entry in ClinVar:

ClinVar aggregate classification (germline): Conflicting classifications of pathogenicity. Review status: criteria provided, conflicting classifications (1 of 4 stars). 3 submissions from 3 submitters: Uncertain significance (2); Likely benign (1). Last evaluated 2025-02-07.

Conditions:
Fanconi anemia (FA). Also called: Fanconi's anemia. Identifiers: Orphanet 84, MedGen C0015625, MeSH D005199, MONDO:0019391.

Allele frequency attached by ClinVar (database versions not stated): gnomAD 0.00001; gnomAD exomes 0.00001 and 0.00002; ExAC 0.00002; TOPMed 0.00002; ESP Exome Variant Server 0.00008.

Submissions (3):

Quest Diagnostics Nichols Institute San Juan Capistrano
Classification: Uncertain significance. Last evaluated: 2025-02-07. Review status: criteria provided, single submitter. Criteria: Quest Diagnostics criteria. Collection method: clinical testing. Allele origin: unknown.
Comment: The FANCM c.693A>G (p.Glu231=) synonymous variant has not been reported in individuals with FANCM-related conditions in the published literature. The frequency of this variant in the general population (Genome Aggregation Database) is uninformative in the assessment of its pathogenicity. Analysis of this variant using software algorithms for the prediction of the effect of nucleotide changes on splicing yielded predictions that this variant does not affect FANCM mRNA splicing. Based on the available information, we are unable to determine the clinical significance of this variant.

Labcorp Genetics (formerly Invitae), Labcorp
Classification: Likely benign for Fanconi anemia. Last evaluated: 2024-05-29. Review status: criteria provided, single submitter. Criteria: Invitae Variant Classification Sherloc (09022015). Collection method: clinical testing. Allele origin: germline.

GeneDx
Classification: Uncertain significance. Last evaluated: 2023-03-03. Review status: criteria provided, single submitter. Criteria: GeneDx Variant Classification Process June 2021. Collection method: clinical testing. Allele origin: germline. Affected: yes.
Comment: Not observed at significant frequency in large population cohorts (gnomAD); Has not been previously published as pathogenic or benign to our knowledge; In silico analysis is inconclusive as to whether the variant alters gene splicing. In the absence of RNA/functional studies, the actual effect of this sequence change is unknown.

NM_020937.4(FANCM):c.693A>G (p.Glu231=)

Gene: FANCM (FA complementation group M; plus strand). Cytogenetic location: 14q21.2.
Variant type: single nucleotide variant.
Coding change: c.693A>G on transcript NM_020937.4 (MANE Select); coding-DNA position 693, A replaced by G.
Protein change: p.Glu231=; no amino-acid change (glutamic acid 231 retained).
Molecular consequence: synonymous variant. On other transcripts: intron variant (1).
Genome position (GRCh38, 1-based): chr14:45,140,643, A>G. VCF-style: chr14-45140643-A-G. GRCh37 (hg19) VCF-style: chr14-45609846-A-G.
Other names: c.693A>G (NM_020937.3); c.693A>G, p.Glu231= (NM_001308134.2); c.681+3402A>G (NM_001308133.2).
Identifiers: ClinVar variation 456280 (VCV000456280.12), dbSNP rs146597866, ClinGen allele CA7168836.